The following is an entry in ClinVar:

ClinVar aggregate classification (germline): Uncertain significance (1 of 4 stars; one submission).

Submission:

Women's Health and Genetics/Laboratory Corporation of America, LabCorp
Classification: Uncertain significance. Last evaluated: 2023-05-12. Review status: criteria provided, single submitter. Criteria: LabCorp Variant Classification Summary - May 2015. Collection method: clinical testing. Allele origin: germline.
Comment: Variant summary: ARHGAP31 c.3147C>A (p.His1049Gln) results in a non-conservative amino acid change in the encoded protein sequence. Four of five in-silico tools predict a benign effect of the variant on protein function. The variant was absent in 249002 control chromosomes. The available data on variant occurrences in the general population are insufficient to allow any conclusion about variant significance. To our knowledge, no occurrence of c.3147C>A in individuals affected with Adams-Oliver Syndrome 1 and no experimental evidence demonstrating its impact on protein function have been reported. No clinical diagnostic laboratories have submitted clinical-significance assessments for this variant to ClinVar after 2014. Based on the evidence outlined above, the variant was classified as uncertain significance.

NM_020754.4(ARHGAP31):c.3147C>A (p.His1049Gln)

Gene: ARHGAP31 (Rho GTPase activating protein 31; plus strand). Cytogenetic location: 3q13.33.
Variant type: single nucleotide variant.
Coding change: c.3147C>A on transcript NM_020754.4 (MANE Select); coding-DNA position 3147, C replaced by A.
Protein change: p.His1049Gln; replaces histidine 1049 with glutamine.
Molecular consequence: missense variant.
Genome position (GRCh38, 1-based): chr3:119,415,076, C>A. VCF-style: chr3-119415076-C-A. GRCh37 (hg19) VCF-style: chr3-119133923-C-A.
Other names: short protein forms H1049Q.
Identifiers: ClinVar variation 2506039 (VCV002506039.1), dbSNP rs748369309, ClinGen allele CA354054872.